The following is an entry in ClinVar:

NM_001818.5(AKR1C4):c.963T>C (p.Asp321=)

Gene: AKR1C4 (aldo-keto reductase family 1 member C4; plus strand). Cytogenetic location: 10p15.1.
Variant type: single nucleotide variant.
Coding change: c.963T>C on transcript NM_001818.5 (MANE Select); coding-DNA position 963, T replaced by C.
Protein change: p.Asp321=; no amino-acid change (aspartic acid 321 retained).
Molecular consequence: synonymous variant.
Genome position (GRCh38, 1-based): chr10:5,218,751, T>C. VCF-style: chr10-5218751-T-C. GRCh37 (hg19) VCF-style: chr10-5260714-T-C.
Identifiers: ClinVar variation 3029678 (VCV003029678.2), dbSNP rs2491070389, ClinGen allele CA467996773.

ClinVar aggregate classification (germline): Likely benign (0 of 4 stars; one submission).

Conditions:
AKR1C4-related disorder. Also called: AKR1C4-related condition.

Submission:

PreventionGenetics, part of Exact Sciences
Classification: Likely benign for AKR1C4-related condition. Last evaluated: 2022-01-17. Review status: no assertion criteria provided. Collection method: clinical testing. Allele origin: germline.
Comment: This variant is classified as likely benign based on ACMG/AMP sequence variant interpretation guidelines (Richards et al. 2015 PMID: 25741868, with internal and published modifications).